The following is an entry in ClinVar:

ClinVar aggregate classification (germline): Conflicting classifications of pathogenicity. Review status: criteria provided, conflicting classifications (1 of 4 stars). 3 submissions from 3 submitters: Uncertain significance (1); Likely benign (1). 1 of the submissions does not count toward it. Last evaluated 2025-11-12.

Conditions:
Inborn genetic diseases. Identifiers: MedGen C0950123, MeSH D030342.
KAT6B-related disorder. Also called: KAT6B-related disorders; KAT6B-related condition.
Genitopatellar syndrome (GTPTS). Also called: ABSENT PATELLAE, SCROTAL HYPOPLASIA, RENAL ANOMALIES, FACIAL DYSMORPHISM, AND MENTAL RETARDATION; Genitopatellar syndrome (GPS). Identifiers: Orphanet 85201, MedGen C1853566, MONDO:0011640, OMIM 606170.

Allele frequency attached by ClinVar (database versions not stated): gnomAD 0.00003; gnomAD exomes 0.00004 and 0.00010; ExAC 0.00005; TOPMed 0.00007; ESP Exome Variant Server 0.00015.
gnomAD v4.1: 142 of 1,614,076 alleles (0.0088%); highest among the groups gnomAD compares: Non-Finnish European, 0.012%; no homozygotes.

Submissions (3):

Ambry Genetics
Classification: Likely benign for Inborn genetic diseases. Last evaluated: 2025-11-12. Review status: criteria provided, single submitter. Criteria: Ambry Variant Classification Scheme 2023. Collection method: clinical testing. Allele origin: germline.

Labcorp Genetics (formerly Invitae), Labcorp
Classification: Uncertain significance for Genitopatellar syndrome. Last evaluated: 2024-09-24. Review status: criteria provided, single submitter. Criteria: Invitae Variant Classification Sherloc (09022015). Collection method: clinical testing. Allele origin: germline.
Comment: This sequence change replaces threonine, which is neutral and polar, with methionine, which is neutral and non-polar, at codon 1960 of the KAT6B protein (p.Thr1960Met). This variant is present in population databases (rs147168060, gnomAD 0.009%). This variant has not been reported in the literature in individuals affected with KAT6B-related conditions. An algorithm developed to predict the effect of missense changes on protein structure and function (PolyPhen-2) suggests that this variant is likely to be disruptive. In summary, the available evidence is currently insufficient to determine the role of this variant in disease. Therefore, it has been classified as a Variant of Uncertain Significance.

PreventionGenetics, part of Exact Sciences
Classification: Likely benign for KAT6B-related condition. Last evaluated: 2024-04-25. Review status: no assertion criteria provided. Collection method: clinical testing. Allele origin: germline. Not counted in ClinVar's aggregate classification.
Comment: This variant is classified as likely benign based on ACMG/AMP sequence variant interpretation guidelines (Richards et al. 2015 PMID: 25741868, with internal and published modifications).

NM_012330.4(KAT6B):c.5879C>T (p.Thr1960Met)

Gene: KAT6B (lysine acetyltransferase 6B; plus strand). Cytogenetic location: 10q22.2.
Variant type: single nucleotide variant.
Coding change: c.5879C>T on transcript NM_012330.4 (MANE Select); coding-DNA position 5879, C replaced by T.
Protein change: p.Thr1960Met; replaces threonine 1960 with methionine.
Molecular consequence: missense variant.
Genome position (GRCh38, 1-based): chr10:75,030,703, C>T. VCF-style: chr10-75030703-C-T. GRCh37 (hg19) VCF-style: chr10-76790461-C-T.
Other names: c.5330C>T, p.Thr1777Met (NM_001256468.2, NM_001370138.1); c.5003C>T, p.Thr1668Met (NM_001256469.2, NM_001370139.1, NM_001370140.1 and 2 more transcripts); c.4841C>T, p.Thr1614Met (NM_001370132.1); c.4190C>T, p.Thr1397Met (NM_001370133.1); c.3794C>T, p.Thr1265Met (NM_001370134.1); c.3536C>T, p.Thr1179Met (NM_001370135.1); c.5879C>T, p.Thr1960Met (NM_001370136.1, NM_001370137.1); c.4814C>T, p.Thr1605Met (NM_001370143.1, NM_001370144.1); and 1 more; short protein forms T1960M, T1397M, T1777M, T1179M, T1605M, T1265M, T1614M, T1668M.
Identifiers: ClinVar variation 3009306 (VCV003009306.5), dbSNP rs147168060, ClinGen allele CA5565269.